The following is an entry in ClinVar:

ClinVar aggregate classification (germline): Likely pathogenic (1 of 4 stars; one submission).

Conditions:
Oligosynaptic infertility (SPGF1). Also called: SPERMATOGENIC FAILURE 1; OLIGOCHIASMATIC INFERTILITY. Identifiers: MedGen C0403810, MONDO:0009776, OMIM 258150.
46 XY differences of sex development. Also called: 46, XY disorder of sex development (DSD); 46,XY disorder of sex development. Identifiers: Orphanet 98085, MedGen C2751824, MONDO:0020040.

Submission:

Labcorp Genetics (formerly Invitae), Labcorp
Classification: Likely pathogenic for 46 XY differences of sex development; Oligosynaptic infertility. Last evaluated: 2023-01-31. Review status: criteria provided, single submitter. Criteria: Invitae Variant Classification Sherloc (09022015). Collection method: clinical testing. Allele origin: germline.
Comment: This sequence change replaces alanine, which is neutral and non-polar, with serine, which is neutral and polar, at codon 82 of the NR5A1 protein (p.Ala82Ser). This variant also falls at the last nucleotide of exon 3, which is part of the consensus splice site for this exon. This variant is not present in population databases (gnomAD no frequency). This missense change has been observed in individuals with 46,XY disorders of sex development (PMID: 32985417; Invitae). Algorithms developed to predict the effect of missense changes on protein structure and function are either unavailable or do not agree on the potential impact of this missense change (SIFT: "Deleterious"; PolyPhen-2: "Probably Damaging"; Align-GVGD: "Class C0"). Experimental studies have shown that this missense change does not substantially affect NR5A1 function (PMID: 34461970). Variants that disrupt the consensus splice site are a relatively common cause of aberrant splicing (PMID: 17576681, 9536098). Studies have shown that this missense change is associated with altered splicing resulting in multiple RNA products (PMID: 34461970). In summary, the currently available evidence indicates that the variant is pathogenic, but additional data are needed to prove that conclusively. Therefore, this variant has been classified as Likely Pathogenic.

Literature cited by the submitters: PubMed 32985417; PubMed 34461970; PubMed 17576681; PubMed 9536098.

NM_004959.5(NR5A1):c.244G>T (p.Ala82Ser)

Gene: NR5A1 (nuclear receptor subfamily 5 group A member 1; minus strand). Cytogenetic location: 9q33.3.
Variant type: single nucleotide variant.
Coding change: c.244G>T on transcript NM_004959.5 (MANE Select); coding-DNA position 244, G replaced by T.
Protein change: p.Ala82Ser; replaces alanine 82 with serine.
Molecular consequence: missense variant.
Genome position (GRCh38, 1-based): chr9:124,503,079, C>A on the plus strand (G>T on the coding strand, the complement: NR5A1 is on the minus strand). VCF-style: chr9-124503079-C-A. GRCh37 (hg19) VCF-style: chr9-127265358-C-A.
Other names: short protein forms A82S.
Identifiers: ClinVar variation 2933342 (VCV002933342.3), dbSNP rs2538687051, ClinGen allele CA374890040.
Genomic context (GRCh38, chr9:124,503,079, plus strand): 5'-CCCACCCCCTACCCCCTCAGGCTGTGGGGGGTCAGGGGTCGAGGCCCGCGCGGCGCGCAC[C>A]TTCCAGGCGCATCCCCACCGTCAGGCATTTCTGGAAGCGGCAGAAGGGACAGCGCTTGCG-3'
Protein context (NP_004950.2, residues 72-92): KCLTVGMRLE[Ala82Ser]VRADRMRGGR